The following is an entry in ClinVar:

ClinVar aggregate classification (germline): Uncertain significance (1 of 4 stars; one submission).

gnomAD v4.1: 1 of 1,614,154 alleles (0.000062%); highest among the groups gnomAD compares: South Asian, 0.0011%; no homozygotes.

Submission:

Labcorp Genetics (formerly Invitae), Labcorp
Classification: Uncertain significance. Last evaluated: 2025-06-07. Review status: criteria provided, single submitter. Criteria: Invitae Variant Classification Sherloc (09022015). Collection method: clinical testing. Allele origin: germline.
Comment: This sequence change replaces isoleucine, which is neutral and non-polar, with valine, which is neutral and non-polar, at codon 1397 of the COL4A1 protein (p.Ile1397Val). This variant is not present in population databases (gnomAD no frequency). This variant has not been reported in the literature in individuals affected with COL4A1-related conditions. Invitae Evidence Modeling of protein sequence and biophysical properties (such as structural, functional, and spatial information, amino acid conservation, physicochemical variation, residue mobility, and thermodynamic stability) indicates that this missense variant is not expected to disrupt COL4A1 protein function with a negative predictive value of 95%. In summary, the available evidence is currently insufficient to determine the role of this variant in disease. Therefore, it has been classified as a Variant of Uncertain Significance.

NM_001845.6(COL4A1):c.4189A>G (p.Ile1397Val)

Gene: COL4A1 (collagen type IV alpha 1 chain; minus strand). Cytogenetic location: 13q34.
Variant type: single nucleotide variant.
Coding change: c.4189A>G on transcript NM_001845.6 (MANE Select); coding-DNA position 4189, A replaced by G.
Protein change: p.Ile1397Val; replaces isoleucine 1397 with valine.
Molecular consequence: missense variant.
Genome position (GRCh38, 1-based): chr13:110,163,523, T>C on the plus strand (A>G on the coding strand, the complement: COL4A1 is on the minus strand). VCF-style: chr13-110163523-T-C. GRCh37 (hg19) VCF-style: chr13-110815870-T-C.
Other names: short protein forms I1397V.
Identifiers: ClinVar variation 4809420 (VCV004809420.1).
Genomic context (GRCh38, chr13:110,163,523, plus strand): 5'-CAGTAGGCCCGGCAGGTCCCATCTCTCCTTTCTGGCCAGGGGCACCGTCAAACCCAGGAA[T>C]ACCTGGAGGTCCAGGTATACCCACCAATCCTGTAACACCTGAGGCAGAGGAAAAATAATT-3'
Protein context (NP_001836.3, residues 1387-1407): GLVGIPGPPG[Ile1397Val]PGFDGAPGQK